The following is an entry in ClinVar:

NM_001605.3(AARS1):c.1082T>G (p.Phe361Cys)

Gene: AARS1 (alanyl-tRNA synthetase 1; minus strand). Cytogenetic location: 16q22.1.
Variant type: single nucleotide variant.
Coding change: c.1082T>G on transcript NM_001605.3 (MANE Select); coding-DNA position 1082, T replaced by G.
Protein change: p.Phe361Cys; replaces phenylalanine 361 with cysteine.
Molecular consequence: missense variant.
Genome position (GRCh38, 1-based): chr16:70,267,799, A>C on the plus strand (T>G on the coding strand, the complement: AARS1 is on the minus strand). VCF-style: chr16-70267799-A-C. GRCh37 (hg19) VCF-style: chr16-70301702-A-C.
Other names: short protein forms F361C.
Identifiers: ClinVar variation 1682255 (VCV001682255.8), dbSNP rs2152160274, ClinGen allele CA396563964.

ClinVar aggregate classification (germline): Uncertain significance (1 of 4 stars; one submission).

Conditions:
Charcot-Marie-Tooth disease type 2. Also called: Charcot-Marie-Tooth type 2. Identifiers: Orphanet 64746, MedGen C0270914, MONDO:0018993.

Submission:

Labcorp Genetics (formerly Invitae), Labcorp
Classification: Uncertain significance for Charcot-Marie-Tooth disease type 2. Last evaluated: 2025-08-21. Review status: criteria provided, single submitter. Criteria: Invitae Variant Classification Sherloc (09022015). Collection method: clinical testing. Allele origin: germline.
Comment: This sequence change replaces phenylalanine, which is neutral and non-polar, with cysteine, which is neutral and slightly polar, at codon 361 of the AARS protein (p.Phe361Cys). This variant is not present in population databases (gnomAD no frequency). This variant has not been reported in the literature in individuals affected with AARS-related conditions. ClinVar contains an entry for this variant (Variation ID: 1682255). Invitae Evidence Modeling of protein sequence and biophysical properties (such as structural, functional, and spatial information, amino acid conservation, physicochemical variation, residue mobility, and thermodynamic stability) has been performed for this missense variant. However, the output from this modeling did not meet the statistical confidence thresholds required to predict the impact of this variant on AARS protein function. In summary, the available evidence is currently insufficient to determine the role of this variant in disease. Therefore, it has been classified as a Variant of Uncertain Significance.